The following is an entry in ClinVar:

ClinVar aggregate classification (germline): Conflicting classifications of pathogenicity. Review status: criteria provided, conflicting classifications (1 of 4 stars). 3 submissions from 3 submitters: Uncertain significance (1); Likely benign (2). Last evaluated 2025-07-14.

Conditions:
RPGRIP1L-related disorder. Also called: RPGRIP1L-related condition; RPGRIP1L-related disorders. Identifiers: MedGen CN239416.
Joubert syndrome. Also called: JOUBERT-BOLTSHAUSER SYNDROME; Familial aplasia of the vermis. Identifiers: Orphanet 475, MedGen C5979921, MONDO:0018772.
Meckel-Gruber syndrome. Also called: DYSENCEPHALIA SPLANCHNOCYSTICA; GRUBER SYNDROME; Dysencephalia splachnocystica. Identifiers: Orphanet 564, MedGen C0265215, MONDO:0018921.

Allele frequency attached by ClinVar (database versions not stated): gnomAD exomes 0.00002; TOPMed 0.00003.
gnomAD v4.1: 9 of 639,746 alleles (0.0014%); highest among the groups gnomAD compares: Admixed American, 0.015%; no homozygotes.

Submissions (3):

GeneDx
Classification: Uncertain significance. Last evaluated: 2025-07-14. Review status: criteria provided, single submitter. Criteria: GeneDx Variant Classification Process June 2021. Collection method: clinical testing. Allele origin: germline. Affected: yes.
Comment: In silico analysis suggests that this variant does not alter splicing; Has not been previously published as pathogenic or benign to our knowledge

PreventionGenetics, part of Exact Sciences
Classification: Likely benign for RPGRIP1L-related condition. Last evaluated: 2025-03-26. Review status: criteria provided, single submitter. Criteria: ACMG Guidelines, 2015. Collection method: clinical testing. Allele origin: germline.
Comment: This variant is classified as likely benign based on ACMG/AMP sequence variant interpretation guidelines (Richards et al. 2015 PMID: 25741868, with internal and published modifications).

Labcorp Genetics (formerly Invitae), Labcorp
Classification: Likely benign for Joubert syndrome; Meckel-Gruber syndrome. Last evaluated: 2024-09-13. Review status: criteria provided, single submitter. Criteria: Invitae Variant Classification Sherloc (09022015). Collection method: clinical testing. Allele origin: germline.

NM_015272.5(RPGRIP1L):c.3324C>T (p.Cys1108=)

Gene: RPGRIP1L (RPGRIP1 like; minus strand). Cytogenetic location: 16q12.2.
Variant type: single nucleotide variant.
Coding change: c.3324C>T on transcript NM_015272.5 (MANE Select); coding-DNA position 3324, C replaced by T.
Protein change: p.Cys1108=; no amino-acid change (cysteine 1108 retained).
Molecular consequence: synonymous variant. On other transcripts: intron variant (2).
Genome position (GRCh38, 1-based): chr16:53,622,327, G>A on the plus strand (C>T on the coding strand, the complement: RPGRIP1L is on the minus strand). VCF-style: chr16-53622327-G-A. GRCh37 (hg19) VCF-style: chr16-53656239-G-A.
Other names: c.3222C>T, p.Cys1074= (NM_001330538.2); c.3193-3119C>T (NM_001127897.4); c.3295-3119C>T (NM_001308334.3); c.3324C>T (NM_015272.2, NM_015272.4).
Identifiers: ClinVar variation 2164016 (VCV002164016.6), dbSNP rs1402604190, ClinGen allele CA495538090.